The following is an entry in ClinVar:

ClinVar aggregate classification (germline): Benign/Likely benign. Review status: criteria provided, multiple submitters, no conflicts (2 of 4 stars). 4 submissions from 4 submitters: Benign (1); Likely benign (2). 1 of the submissions does not count toward it. Last evaluated 2025-12-02.

Conditions:
HIVEP2-related disorder. Also called: HIVEP2-related condition.

Allele frequency attached by ClinVar (database versions not stated): gnomAD 0.00033 and 0.00034; ESP Exome Variant Server 0.00041; gnomAD exomes 0.00048.
gnomAD v4.1: 516 of 1,614,040 alleles (0.032%); highest among the groups gnomAD compares: East Asian, 0.036%; 2 homozygotes.

Submissions (4):

Labcorp Genetics (formerly Invitae), Labcorp
Classification: Benign. Last evaluated: 2025-12-02. Review status: criteria provided, single submitter. Criteria: Invitae Variant Classification Sherloc (09022015). Collection method: clinical testing. Allele origin: germline.

CeGaT Center for Human Genetics Tuebingen
Classification: Likely benign. Last evaluated: 2025-10-01. Review status: criteria provided, single submitter. Criteria: CeGaT Center For Human Genetics Tuebingen Variant Classification Criteria Version 2. Collection method: clinical testing. Allele origin: germline. Affected: yes. Observed: 3 variant alleles.
Comment: HIVEP2: BP4, BP7

Blueprint Genetics
Classification: Likely benign. Last evaluated: 2024-10-15. Review status: criteria provided, single submitter. Criteria: ACMG Guidelines, 2015. Collection method: clinical testing. Allele origin: germline.

PreventionGenetics, part of Exact Sciences
Classification: Benign for HIVEP2-related condition. Last evaluated: 2020-01-24. Review status: no assertion criteria provided. Collection method: clinical testing. Allele origin: germline. Not counted in ClinVar's aggregate classification.
Comment: This variant is classified as benign based on ACMG/AMP sequence variant interpretation guidelines (Richards et al. 2015 PMID: 25741868, with internal and published modifications).

NM_006734.4(HIVEP2):c.6690C>G (p.Pro2230=)

Gene: HIVEP2 (HIVEP zinc finger 2; minus strand). Cytogenetic location: 6q24.2.
Variant type: single nucleotide variant.
Coding change: c.6690C>G on transcript NM_006734.4 (MANE Select); coding-DNA position 6690, C replaced by G.
Protein change: p.Pro2230=; no amino-acid change (proline 2230 retained).
Molecular consequence: synonymous variant.
Genome position (GRCh38, 1-based): chr6:142,753,758, G>C on the plus strand (C>G on the coding strand, the complement: HIVEP2 is on the minus strand). VCF-style: chr6-142753758-G-C. GRCh37 (hg19) VCF-style: chr6-143074895-G-C.
Other names: c.6690C>G (NM_006734.3).
Identifiers: ClinVar variation 1335644 (VCV001335644.41), dbSNP rs201462470, ClinGen allele CA4027639.
Genomic context (GRCh38, chr6:142,753,758, plus strand): 5'-TGAAGGATGTAAACTGGAAAGGGCTGGCGGCATGGAGTGAACCATCTGGATCCCACCAAC[G>C]GGCACCATGGGGATAGGGGCTCGCACTTGTTGCTGAGAGTGGAGTGGAAGATGACTGAAG-3'
Protein context (NP_006725.3, residues 2220-2240): QQVRAPIPMV[Pro2230=]VGGIQMVHSM